The following is an entry in ClinVar:

NM_016816.4(OAS1):c.1147C>T (p.Leu383Phe)

Gene: OAS1 (2'-5'-oligoadenylate synthetase 1; plus strand). Cytogenetic location: 12q24.13.
Variant type: single nucleotide variant.
Coding change: c.1147C>T on transcript NM_016816.4 (MANE Select); coding-DNA position 1147, C replaced by T.
Protein change: p.Leu383Phe; replaces leucine 383 with phenylalanine.
Molecular consequence: missense variant. On other transcripts: 3 prime UTR variant (5), non-coding transcript variant (9), intron variant (2).
Genome position (GRCh38, 1-based): chr12:112,919,497, C>T. VCF-style: chr12-112919497-C-T. GRCh37 (hg19) VCF-style: chr12-113357302-C-T.
Other names: c.1049C>T, p.Thr350Ile (NM_001032409.3); c.1025C>T, p.Thr342Ile (NM_001406020.1); c.1123C>T, p.Leu375Phe (NM_001406021.1); c.*784C>T (NM_001406022.1, NM_001406023.1, NM_001406029.1); c.*1740C>T (NM_001406024.1, NM_001406030.1); c.575C>T, p.Thr192Ile (NM_001406026.1); c.673C>T, p.Leu225Phe (NM_001406027.1); c.1038+1797C>T (NM_001320151.2); and 1 more; short protein forms T342I, T350I, L225F, T192I, L383F, L375F.
Identifiers: ClinVar variation 3686512 (VCV003686512.2).

ClinVar aggregate classification (germline): Uncertain significance (1 of 4 stars; one submission).

Submission:

Labcorp Genetics (formerly Invitae), Labcorp
Classification: Uncertain significance. Last evaluated: 2024-02-12. Review status: criteria provided, single submitter. Criteria: Invitae Variant Classification Sherloc (09022015). Collection method: clinical testing. Allele origin: germline.
Comment: This sequence change replaces leucine, which is neutral and non-polar, with phenylalanine, which is neutral and non-polar, at codon 383 of the OAS1 protein (p.Leu383Phe). This variant is not present in population databases (gnomAD no frequency). This variant has not been reported in the literature in individuals affected with OAS1-related conditions. Algorithms developed to predict the effect of missense changes on protein structure and function output the following: SIFT: "Not Available"; PolyPhen-2: "Benign"; Align-GVGD: "Not Available". The phenylalanine amino acid residue is found in multiple mammalian species, which suggests that this missense change does not adversely affect protein function. In summary, the available evidence is currently insufficient to determine the role of this variant in disease. Therefore, it has been classified as a Variant of Uncertain Significance.